The following is an entry in ClinVar:

NM_002332.3(LRP1):c.4928T>G (p.Phe1643Cys)

Gene: LRP1 (LDL receptor related protein 1; plus strand). Cytogenetic location: 12q13.3.
Variant type: single nucleotide variant.
Coding change: c.4928T>G on transcript NM_002332.3 (MANE Select); coding-DNA position 4928, T replaced by G.
Protein change: p.Phe1643Cys; replaces phenylalanine 1643 with cysteine.
Molecular consequence: missense variant.
Genome position (GRCh38, 1-based): chr12:57,179,518, T>G. VCF-style: chr12-57179518-T-G. GRCh37 (hg19) VCF-style: chr12-57573301-T-G.
Other names: NM_002332.3:c.4928T>G; short protein forms F1643C.
Identifiers: ClinVar variation 3383317 (VCV003383317.1).

ClinVar aggregate classification (germline): Uncertain significance (1 of 4 stars; one submission).

Conditions:
Neuromuscular disease. Also called: Neuromuscular disorder; Neuromyopathy. Identifiers: Orphanet 68381, MedGen C0027868, MeSH D009468, MONDO:0019056.

Submission:

Broad Center for Mendelian Genomics, Broad Institute of MIT and Harvard
Classification: Uncertain significance for Neuromuscular disease. Last evaluated: 2024-11-21. Review status: criteria provided, single submitter. Criteria: ACMG Guidelines, 2015. Collection method: curation. Allele origin: germline. Inheritance: Autosomal dominant inheritance. Study: GREGoR Consortium.
Comment: While this gene is still lacking sufficient evidence to establish a gene-disease relationship, we believe this is a possible novel gene candidate for neuromuscular disease. Given the limited information about this gene-disease relationship, the significance of the LRP1 variant is uncertain. If you have any additional information about functional evidence or other individuals with this phenotype that also have variants in LRP1 we encourage you to reach out to us.